The following is an entry in ClinVar:

ClinVar aggregate classification (germline): Uncertain significance (1 of 4 stars; one submission).

Conditions:
Myopathy with tubular aggregates (TAM). Also called: Tubular Aggregate Myopathy. Identifiers: Orphanet 2593, MedGen C0410207, MONDO:0008051.
Combined immunodeficiency due to STIM1 deficiency. Also called: STIM1 DEFICIENCY; IMMUNODEFICIENCY 10. Identifiers: Orphanet 169090, Orphanet 317430, MedGen C2748557, MONDO:0013008, OMIM 612783.
Stormorken syndrome (STRMK). Also called: THROMBOCYTOPATHY, ASPLENIA, AND MIOSIS. Identifiers: Orphanet 3204, MedGen C1861451, MONDO:0008497, OMIM 185070.

Submission:

Labcorp Genetics (formerly Invitae), Labcorp
Classification: Uncertain significance for Myopathy with tubular aggregates; Combined immunodeficiency due to STIM1 deficiency; Stormorken syndrome. Last evaluated: 2022-07-21. Review status: criteria provided, single submitter. Criteria: Invitae Variant Classification Sherloc (09022015). Collection method: clinical testing. Allele origin: germline.
Comment: In summary, the available evidence is currently insufficient to determine the role of this variant in disease. Therefore, it has been classified as a Variant of Uncertain Significance. Experimental studies and prediction algorithms are not available or were not evaluated, and the effect of this variant on mRNA splicing is currently unknown. This variant has not been reported in the literature in individuals affected with STIM1-related conditions. Information on the frequency of this variant in the gnomAD database is not available, as this variant may be reported differently in the database. This sequence change falls in intron 10 of the STIM1 gene. It does not directly change the encoded amino acid sequence of the STIM1 protein.

NM_001382567.1(STIM1):c.1474+17_1474+18delinsGT

Gene: STIM1 (stromal interaction molecule 1; plus strand). Cytogenetic location: 11p15.4.
Variant type: Indel.
Coding change: c.1474+17_1474+18delinsGT on transcript NM_001382567.1 (MANE Select); bases 17 to 18 of the intron after coding-DNA position 1474, CG replaced by GT.
Molecular consequence: intron variant. On other transcripts: 3 prime UTR variant (1).
Genome position (GRCh38, 1-based): chr11:4,083,515-4,083,516, CG replaced by GT. VCF-style: chr11-4083515-CG-GT. GRCh37 (hg19) VCF-style: chr11-4104745-CG-GT.
Other names: c.*9_*10delinsGT (NM_001382573.1); c.1252+17_1252+18delinsGT (NM_001382578.1, NM_001382575.1, NM_001382576.1 and 3 more transcripts); c.985+17_985+18delinsGT (NM_001382580.1, NM_001382581.1); c.1495+17_1495+18delinsGT (NM_001382568.1); c.1474+17_1474+18delinsGT (NM_001277962.2, NM_003156.4, NM_001277961.3); c.1246+17_1246+18delinsGT (NM_001382570.1); c.1339+17_1339+18delinsGT (NM_001382569.1); c.994+17_994+18delinsGT (NM_001382571.1).
Identifiers: ClinVar variation 2146608 (VCV002146608.4), dbSNP rs2498479731, ClinGen allele CA2580083897.